The following is an entry in ClinVar:

NM_002972.4(SBF1):c.2725C>T (p.Arg909Cys)

Gene: SBF1 (SET binding factor 1; minus strand). Cytogenetic location: 22q13.33.
Variant type: single nucleotide variant.
Coding change: c.2725C>T on transcript NM_002972.4 (MANE Select); coding-DNA position 2725, C replaced by T.
Protein change: p.Arg909Cys; replaces arginine 909 with cysteine.
Molecular consequence: missense variant.
Genome position (GRCh38, 1-based): chr22:50,461,637, G>A on the plus strand (C>T on the coding strand, the complement: SBF1 is on the minus strand). VCF-style: chr22-50461637-G-A. GRCh37 (hg19) VCF-style: chr22-50900066-G-A.
Other names: c.2728C>T, p.Arg910Cys (NM_001365819.1); short protein forms R910C, R909C.
Identifiers: ClinVar variation 1525170 (VCV001525170.4), dbSNP rs368629580, ClinGen allele CA10317074.

ClinVar aggregate classification (germline): Uncertain significance (1 of 4 stars; one submission).

Allele frequency attached by ClinVar (database versions not stated): gnomAD exomes 0.00002 and 0.00003; ExAC 0.00004; gnomAD 0.00005; TOPMed 0.00005; ESP Exome Variant Server 0.00008.

Submission:

Labcorp Genetics (formerly Invitae), Labcorp
Classification: Uncertain significance. Last evaluated: 2023-11-13. Review status: criteria provided, single submitter. Criteria: Invitae Variant Classification Sherloc (09022015). Collection method: clinical testing. Allele origin: germline.
Comment: This sequence change replaces arginine, which is basic and polar, with cysteine, which is neutral and slightly polar, at codon 909 of the SBF1 protein (p.Arg909Cys). This variant is present in population databases (rs368629580, gnomAD 0.01%). This variant has not been reported in the literature in individuals affected with SBF1-related conditions. ClinVar contains an entry for this variant (Variation ID: 1525170). Advanced modeling of protein sequence and biophysical properties (such as structural, functional, and spatial information, amino acid conservation, physicochemical variation, residue mobility, and thermodynamic stability) performed at Invitae indicates that this missense variant is expected to disrupt SBF1 protein function with a positive predictive value of 80%. In summary, the available evidence is currently insufficient to determine the role of this variant in disease. Therefore, it has been classified as a Variant of Uncertain Significance.